The following is an entry in ClinVar:

NM_017841.4(SDHAF2):c.9_19del (p.Ser4fs)

Gene: SDHAF2 (succinate dehydrogenase complex assembly factor 2; plus strand). Cytogenetic location: 11q12.2.
Variant type: Deletion.
Coding change: c.9_19del on transcript NM_017841.4 (MANE Select); coding-DNA positions 9 to 19, 11 bases deleted (GTCTACAGTGT).
Protein change: p.Ser4fs; shifts the reading frame from serine 4.
Molecular consequence: frameshift variant.
Genome position (GRCh38, 1-based): chr11:61,430,155-61,430,165, GTCTACAGTGT deleted; deleting any 11 consecutive bases within chr11:61,430,153-61,430,165 gives the same sequence; the c. name uses the placement nearest the transcript's 3' end. VCF-style (leftmost placement, unchanged base first): chr11-61430152-GGTGTCTACAGT-G. GRCh37 (hg19) VCF-style: chr11-61197624-GGTGTCTACAGT-G.
Other names: c.9_19del11 (NM_017841.2); short protein forms S4fs.
Identifiers: ClinVar variation 2774506 (VCV002774506.5), dbSNP rs2540110841, ClinGen allele CA2613847785.

ClinVar aggregate classification (germline): Pathogenic/Likely pathogenic. Review status: criteria provided, multiple submitters, no conflicts (2 of 4 stars). 4 submissions from 4 submitters: Pathogenic (1); Likely pathogenic (3). Last evaluated 2026-01-29.

Conditions:
Pheochromocytoma/paraganglioma syndrome 2. Also called: GLOMUS TUMORS, FAMILIAL, 2; Paragangliomas 2; SDHAF2-Related Hereditary Paraganglioma-Pheochromocytoma Syndrome (Paragangliomas 2); SDHAF2-Related Hereditary Paraganglioma-Pheochromocytoma Syndrome. Identifiers: Orphanet 29072, MedGen C1866552, MONDO:0011121, OMIM 601650.
Hereditary pheochromocytoma and paraganglioma. Also called: Hereditary Paraganglioma-Pheochromocytoma Syndromes; Hereditary paragangliomas and pheochromocytomas; Hereditary pheochromocytoma-paraganglioma. Identifiers: Orphanet 29072, MedGen C4274332, MONDO:0017366.
Hereditary cancer-predisposing syndrome. Also called: Neoplastic Syndromes, Hereditary; Tumor predisposition; Hereditary neoplastic syndrome; Hereditary Cancer Syndrome. Identifiers: Orphanet 140162, MedGen C0027672, MeSH D009386, MONDO:0015356.

Submissions (4):

Myriad Genetics, Inc.
Classification: Pathogenic for Pheochromocytoma/paraganglioma syndrome 2. Last evaluated: 2026-01-29. Review status: criteria provided, single submitter. Criteria: Myriad Autosomal Dominant, Autosomal Recessive and X-Linked Classification Criteria (2023). Collection method: clinical testing. Allele origin: unknown.
Comment: This variant is considered pathogenic. This variant creates a frameshift predicted to result in premature protein truncation.

Ambry Genetics
Classification: Likely pathogenic for Hereditary cancer-predisposing syndrome. Last evaluated: 2024-06-05. Review status: criteria provided, single submitter. Criteria: Ambry Variant Classification Scheme 2023. Collection method: clinical testing. Allele origin: germline.
Comment: The c.9_19del11 variant, located in coding exon 1 of the SDHAF2 gene, results from a deletion of 11 nucleotides at nucleotide positions 9 to 19, causing a translational frameshift with a predicted alternate stop codon (p.S4Lfs*31). The predicted stop codon occurs in the 5&rsquo; end of theSDHAF2 gene. Premature termination codons in the 5&rsquo; end of a gene have been reported to escape nonsense-mediated mRNAdecay and/or lead to re-initiation (Rivas et al. Science. 2015 May 8;348(6235):666-9; Lindeboom et al. Nat Genet. 2016 Oct;48(10):1112-8; Rhee et al. Sci Rep. 2017 May 10;7(1):1653). Direct evidence for this alteration is unavailable, however premature termination codons are typically deleterious in nature. This variant is considered to be rare based on population cohorts in the Genome Aggregation Database (gnomAD). Based on the majority of available evidence to date, this variant is likely to be pathogenic.

All of Us Research Program, National Institutes of Health
Classification: Likely pathogenic for Hereditary pheochromocytoma and paraganglioma. Last evaluated: 2023-06-26. Review status: criteria provided, single submitter. Criteria: ACMG Guidelines, 2015. Collection method: clinical testing. Allele origin: germline. Inheritance: Autosomal dominant inheritance. Observed: 1 variant allele, 1 heterozygote.
Comment: This variant deletes 11 nucleotides in exon 1 of the SDHAF2 gene, creating a frameshift and premature translation stop signal 31 codons downstream. This variant is expected to result in an absent or non-functional protein product by either nonsense mediated decay or by disrupting the signal presequence required for import into mitochondria. Translation of the frameshift extension is expected to bypass the in-frame methionine at codon 13 making re-initiation from this initiator codon unlikely, and re-initiation further downstream at the methionine at codon 47 would create a protein without the mitochondrial import signal. To our knowledge, this variant has not been reported in individuals affected with SDHAF2-related disorders in the literature. This variant has not been identified in the general population by the Genome Aggregation Database (gnomAD). Based on the available evidence, this variant is classified as Likely Pathogenic.

This study involves interpretation of variants in research participants for the purpose of population health screening. Participant phenotype was not available at the time of variant classification. Additional details can be found in publication PMID: 35346344, PMCID: PMC8962531

Color Diagnostics, LLC DBA Color Health
Classification: Likely pathogenic for Hereditary pheochromocytoma and paraganglioma. Last evaluated: 2023-04-27. Review status: criteria provided, single submitter. Criteria: ACMG Guidelines, 2015. Collection method: clinical testing. Allele origin: germline.
Comment: This variant deletes 11 nucleotides in exon 1 of the SDHAF2 gene, creating a frameshift and premature translation stop signal 31 codons downstream. This variant is expected to result in an absent or non-functional protein product by either nonsense mediated decay or by disrupting the signal presequence required for import into mitochondria. Translation of the frameshift extension is expected to bypass the in-frame methionine at codon 13 making re-initiation from this initiator codon unlikely, and re-initiation further downstream at the methionine at codon 47 would create a protein without the mitochondrial import signal. To our knowledge, this variant has not been reported in individuals affected with SDHAF2-related disorders in the literature. This variant has not been identified in the general population by the Genome Aggregation Database (gnomAD). Based on the available evidence, this variant is classified as Likely Pathogenic.